The following is an entry in ClinVar:

NM_001142800.2(EYS):c.5802dup (p.Ile1935fs)

Gene: EYS (EGF-like photoreceptor maintenance factor; minus strand). Cytogenetic location: 6q12.
Variant type: Duplication.
Coding change: c.5802dup on transcript NM_001142800.2 (MANE Select); coding-DNA position 5802, one base duplicated (T; older notation c.5802dupT).
Protein change: p.Ile1935fs; shifts the reading frame from isoleucine 1935.
Molecular consequence: frameshift variant.
Genome position (GRCh38, 1-based): chr6:64,439,195, A duplicated on the plus strand (T on the coding strand, the reverse complement: EYS is on the minus strand); the first of 6 consecutive A bases (chr6:64,439,195-64,439,200); duplicating any one gives the same sequence. VCF-style (leftmost placement, unchanged base first): chr6-64439194-T-TA. GRCh37 (hg19) VCF-style: chr6-65149087-T-TA.
Other names: c.5802dup, p.Ile1935fs (NM_001292009.2); short protein forms I1935fs.
Identifiers: ClinVar variation 813177 (VCV000813177.13), dbSNP rs1455826633, ClinGen allele CA567744496.

ClinVar aggregate classification (germline): Pathogenic/Likely pathogenic. Review status: criteria provided, multiple submitters, no conflicts (2 of 4 stars). 7 submissions from 7 submitters: Pathogenic (5); Likely pathogenic (1). 1 of the submissions does not count toward it. Last evaluated 2025-05-18.

Conditions:
Retinitis pigmentosa 25 (RP25). Identifiers: Orphanet 791, MedGen C1864446, MONDO:0011272, OMIM 602772.
EYS-related disorder. Also called: EYS-related condition.
Retinitis pigmentosa (RP). Identifiers: Orphanet 791, MedGen C0035334, MeSH D012174, MONDO:0019200, OMIM 268000. Inheritance: Autosomal dominant, autosomal recessive and X linked inheritance.

Submissions (7):

Myriad Genetics, Inc.
Classification: Pathogenic for Retinitis pigmentosa 25. Last evaluated: 2025-05-18. Review status: criteria provided, single submitter. Criteria: Myriad Autosomal Dominant, Autosomal Recessive and X-Linked Classification Criteria (2023). Collection method: clinical testing. Allele origin: unknown.
Comment: NM_001142800.1(EYS):c.5802dupT(I1935Yfs*6) is a frameshift variant classified as pathogenic in the context of retinitis pigmentosa, EYS-related. I1935Yfs*6 has been observed in a case with relevant disease (PMID: 33058741). Relevant functional assessments of this variant are not available in the literature. I1935Yfs*6 has been observed in referenced population frequency databases. In summary, NM_001142800.1(EYS):c.5802dupT(I1935Yfs*6) is a frameshift variant in a gene where loss of function is a known mechanism of disease, is predicted to disrupt protein function, and has been observed more frequently in cases with the relevant disease than in healthy populations. Please note: this variant was assessed in the context of healthy population screening.

Labcorp Genetics (formerly Invitae), Labcorp
Classification: Pathogenic. Last evaluated: 2025-03-17. Review status: criteria provided, single submitter. Criteria: Invitae Variant Classification Sherloc (09022015). Collection method: clinical testing. Allele origin: germline.
Comment: This sequence change creates a premature translational stop signal (p.Ile1935Tyrfs*6) in the EYS gene. It is expected to result in an absent or disrupted protein product. Loss-of-function variants in EYS are known to be pathogenic (PMID: 18836446, 20333770). This variant is not present in population databases (gnomAD no frequency). This variant has not been reported in the literature in individuals affected with EYS-related conditions. ClinVar contains an entry for this variant (Variation ID: 813177). For these reasons, this variant has been classified as Pathogenic.

Blueprint Genetics
Classification: Pathogenic for EYS-related disorders. Last evaluated: 2024-09-24. Review status: criteria provided, single submitter. Criteria: ACMG Guidelines, 2015. Collection method: clinical testing. Allele origin: germline. Affected: yes. Observed: 4 variant alleles.

Fulgent Genetics
Classification: Pathogenic for Retinitis pigmentosa 25. Last evaluated: 2024-02-08. Review status: criteria provided, single submitter. Criteria: ACMG Guidelines, 2015. Collection method: clinical testing. Allele origin: germline.

Baylor Genetics
Classification: Likely pathogenic for Retinitis pigmentosa 25. Last evaluated: 2024-02-07. Review status: criteria provided, single submitter. Criteria: ACMG Guidelines, 2015. Collection method: clinical testing. Allele origin: unknown.

Molecular Genetics Laboratory, Institute for Ophthalmic Research
Classification: Pathogenic for Retinitis pigmentosa. Last evaluated: 2020-01-09. Review status: criteria provided, single submitter. Criteria: ACMG Guidelines, 2015. Collection method: research. Allele origin: germline. Affected: yes.

Natera, Inc.
Classification: Pathogenic for Retinitis pigmentosa type 25. Last evaluated: 2020-10-08. Review status: no assertion criteria provided. Collection method: clinical testing. Allele origin: germline. Not counted in ClinVar's aggregate classification.

Literature cited by the submitters: PubMed 33058741 (cited by Myriad Genetics, Inc.); PubMed 18836446 (cited by Labcorp Genetics (formerly Invitae), Labcorp); PubMed 20333770 (cited by Labcorp Genetics (formerly Invitae), Labcorp).